The following is an entry in ClinVar:

ClinVar aggregate classification (germline): Uncertain significance (1 of 4 stars; one submission).

Submission:

GeneDx
Classification: Uncertain significance. Last evaluated: 2025-03-20. Review status: criteria provided, single submitter. Criteria: GeneDx Variant Classification Process June 2021. Collection method: clinical testing. Allele origin: germline. Affected: yes.
Comment: Not observed at significant frequency in large population cohorts (gnomAD); In silico analysis supports that this missense variant has a deleterious effect on protein structure/function; Has not been previously published as pathogenic or benign to our knowledge

NM_144658.4(DOCK11):c.4523T>C (p.Leu1508Ser)

Gene: DOCK11 (dedicator of cytokinesis 11; plus strand). Cytogenetic location: Xq24.
Variant type: single nucleotide variant.
Coding change: c.4523T>C on transcript NM_144658.4 (MANE Select); coding-DNA position 4523, T replaced by C.
Protein change: p.Leu1508Ser; replaces leucine 1508 with serine.
Molecular consequence: missense variant.
Genome position (GRCh38, 1-based): chrX:118,649,069, T>C. VCF-style: chrX-118649069-T-C. GRCh37 (hg19) VCF-style: chrX-117783032-T-C.
Other names: short protein forms L1508S.
Identifiers: ClinVar variation 4086687 (VCV004086687.1).